The following is an entry in ClinVar:

ClinVar aggregate classification (germline): Pathogenic (1 of 4 stars; one submission).

Conditions:
Joubert syndrome 20 (JBTS20). Identifiers: Orphanet 475, MedGen C3554235, MONDO:0013994, OMIM 614970.
Meckel syndrome, type 11 (MKS11). Identifiers: Orphanet 564, MedGen C3809352, MONDO:0014164, OMIM 615397.

Submission:

Labcorp Genetics (formerly Invitae), Labcorp
Classification: Pathogenic for Joubert syndrome 20; Meckel syndrome, type 11. Last evaluated: 2025-12-21. Review status: criteria provided, single submitter. Criteria: Invitae Variant Classification Sherloc (09022015). Collection method: clinical testing. Allele origin: germline.
Comment: This sequence change creates a premature translational stop signal (p.Phe97*) in the TMEM231 gene. It is expected to result in an absent or disrupted protein product. Loss-of-function variants in TMEM231 are known to be pathogenic (PMID: 23012439, 23349226). This variant is present in population databases (rs751903254, gnomAD 0.006%). This variant has not been reported in the literature in individuals affected with TMEM231-related conditions. ClinVar contains an entry for this variant (Variation ID: 2934525). For these reasons, this variant has been classified as Pathogenic.

Literature cited by the submitters: PubMed 23012439; PubMed 23349226.

NM_001077418.3(TMEM231):c.140-9_140-8del

Genes: TMEM231 (transmembrane protein 231; minus strand), LOC130059440 (ATAC-STARR-seq lymphoblastoid silent region 7724; plus strand). Cytogenetic location: 16q23.1.
Variant type: Deletion.
Coding change: c.140-9_140-8del on transcript NM_001077418.3 (MANE Select); 9 bases into the intron before coding-DNA position 140 through 8 bases into the intron before coding-DNA position 140, 2 bases deleted (TT; older notation c.140-9_140-8delTT).
Molecular consequence: intron variant. On other transcripts: nonsense (1).
Genome position (GRCh38, 1-based): chr16:75,555,981-75,555,982, AA deleted on the plus strand (TT on the coding strand, the reverse complement: TMEM231 is on the minus strand); deleting any 2 consecutive bases within chr16:75,555,981-75,555,983 gives the same sequence; the c. name uses the placement nearest the transcript's 3' end. VCF-style (leftmost placement, unchanged base first): chr16-75555980-TAA-T. GRCh37 (hg19) VCF-style: chr16-75589878-TAA-T.
Other names: c.290_291del, p.Leu96_Phe97insTer (NM_001077416.2).
Identifiers: ClinVar variation 2934525 (VCV002934525.3), dbSNP rs751903254, ClinGen allele CA8176277.